The following is an entry in ClinVar:

ClinVar aggregate classification (germline): Pathogenic. Review status: criteria provided, single submitter (1 of 4 stars). 2 submissions from 2 submitters: Pathogenic (1). 1 of the submissions does not count toward it. Last evaluated 2021-12-16.

Conditions:
Epidermolysis bullosa, junctional 4, intermediate. Also called: EPIDERMOLYSIS BULLOSA, JUNCTIONAL 4, NON-HERLITZ TYPE; EPIDERMOLYSIS BULLOSA, GENERALIZED ATROPHIC BENIGN; Epidermolysis bullosa, junctional, localisata variant. Identifiers: MedGen C2608084, MONDO:0030750, OMIM 619787.

Submissions (2):

GeneDx
Classification: Pathogenic. Last evaluated: 2021-12-16. Review status: criteria provided, single submitter. Criteria: GeneDx Variant Classification Process June 2021. Collection method: clinical testing. Allele origin: germline. Affected: yes.
Comment: Nonsense variant predicted to result in protein truncation or nonsense mediated decay in a gene for which loss-of-function is a known mechanism of disease; Not observed at significant frequency in large population cohorts (gnomAD); This variant is associated with the following publications: (PMID: 9740252)

OMIM
Classification: Pathogenic for EPIDERMOLYSIS BULLOSA, JUNCTIONAL 4, INTERMEDIATE. Last evaluated: 1998-09-01. Review status: no assertion criteria provided. Collection method: literature only. Allele origin: germline. Not counted in ClinVar's aggregate classification.

Literature cited by the submitters: PubMed 9740252 (cited by OMIM).

NM_000494.3(COL17A1):c.418_419del

Gene: COL17A1 (collagen type XVII alpha 1 chain; minus strand). Cytogenetic location: 10q25.1.
Variant type: Microsatellite.
Coding change: c.418_419del on transcript NM_000494.3; coding-DNA positions 418 to 419, 2 bases deleted (AG; older notation c.418_419delAG).
Genome position (GRCh38, 1-based): chr10:104,072,076-104,072,077, CT deleted on the plus strand (AG on the coding strand, the reverse complement: COL17A1 is on the minus strand); deleting any 2 consecutive bases within chr10:104,072,076-104,072,081 gives the same sequence; the c. name uses the placement nearest the transcript's 3' end. VCF-style (leftmost placement, unchanged base first): chr10-104072075-ACT-A. GRCh37 (hg19) VCF-style: chr10-105831833-ACT-A.
Identifiers: ClinVar variation 1691802 (VCV001691802.3), dbSNP rs773423028, ClinGen allele CA5679427.
Genomic context (GRCh38, chr10:104,072,075, plus strand): 5'-AGATCATGACCACTTACATCGGGTGGATGGGGACGCACTCTGCAGTCGAACTCGAATTTC[ACT>A]CTCTGTACAAGGGAAGAGATAGAGAAGGGTGTGAATGAAGGAGCTTAGATCACAATCCCT-3'